The following is an entry in ClinVar:

NM_031407.7(HUWE1):c.4919C>G (p.Ser1640Cys)

Gene: HUWE1 (HECT, UBA and WWE domain containing E3 ubiquitin protein ligase 1; minus strand). Cytogenetic location: Xp11.22.
Variant type: single nucleotide variant.
Coding change: c.4919C>G on transcript NM_031407.7 (MANE Select); coding-DNA position 4919, C replaced by G.
Protein change: p.Ser1640Cys; replaces serine 1640 with cysteine.
Molecular consequence: missense variant.
Genome position (GRCh38, 1-based): chrX:53,585,094, G>C on the plus strand (C>G on the coding strand, the complement: HUWE1 is on the minus strand). VCF-style: chrX-53585094-G-C. GRCh37 (hg19) VCF-style: chrX-53612054-G-C.
Other names: short protein forms S1640C.
Identifiers: ClinVar variation 451300 (VCV000451300.2), dbSNP rs1556972050, ClinGen allele CA413175102.

ClinVar aggregate classification (germline): Uncertain significance (1 of 4 stars; one submission).

Submission:

GeneDx
Classification: Uncertain significance. Last evaluated: 2017-08-17. Review status: criteria provided, single submitter. Criteria: GeneDx Variant Classification (06012015). Collection method: clinical testing. Allele origin: germline. Affected: yes.
Comment: The S1640C variant has not been published as a pathogenic variant, nor has it been reported as a benign variant to our knowledge. The S1640C variant is not observed in large population cohorts (Lek et al., 2016; 1000 Genomes Consortium et al., 2015; Exome Variant Server). The S1640C variant is a non-conservative amino acid substitution, which is likely to impact secondary protein structure as these residues differ in polarity, charge, size and/or other properties. In silico analysis predicts this variant is probably damaging to the protein structure/function. However, this substitution occurs at a position that is not conserved. Therefore, based on the currently available information, it is unclear whether this variant is a pathogenic variant or a rare benign variant.